The following is an entry in ClinVar:

ClinVar aggregate classification (germline): Pathogenic/Likely pathogenic. Review status: criteria provided, multiple submitters, no conflicts (2 of 4 stars). 14 submissions from 14 submitters: Pathogenic (9); Likely pathogenic (3). 2 of the submissions do not count toward it. Last evaluated 2026-01-06.

Conditions:
ACADS-related disorder. Also called: ACADS-related condition.
Deficiency of butyryl-CoA dehydrogenase (ACADSD). Also called: ACADS DEFICIENCY; Short-Chain Acyl-CoA Dehydrogenase Deficiency; SCAD Deficiency; SCADH DEFICIENCY; SCAD DEFICIENCY, MILD; ACYL-CoA DEHYDROGENASE, SHORT-CHAIN, DEFICIENCY OF. Identifiers: Orphanet 26792, MedGen C0342783, MONDO:0008722, OMIM 201470. Disease mechanism: May be benign.

Allele frequency attached by ClinVar (database versions not stated): TOPMed 0.00002; gnomAD 0.00003 and 0.00004.

Submissions (14):

Labcorp Genetics (formerly Invitae), Labcorp
Classification: Pathogenic for Deficiency of butyryl-CoA dehydrogenase. Last evaluated: 2026-01-06. Review status: criteria provided, single submitter. Criteria: Invitae Variant Classification Sherloc (09022015). Collection method: clinical testing. Allele origin: germline.
Comment: This sequence change replaces arginine, which is basic and polar, with tryptophan, which is neutral and slightly polar, at codon 380 of the ACADS protein (p.Arg380Trp). This variant is present in population databases (rs28940875, gnomAD 0.05%). This missense change has been observed in individuals with SCAD deficiency (PMID: 11134486, 14595061, 16906473, 16926354, 22424739, 24485985). It has also been observed to segregate with disease in related individuals. ClinVar contains an entry for this variant (Variation ID: 3837). Invitae Evidence Modeling of protein sequence and biophysical properties (such as structural, functional, and spatial information, amino acid conservation, physicochemical variation, residue mobility, and thermodynamic stability) has been performed for this missense variant. However, the output from this modeling did not meet the statistical confidence thresholds required to predict the impact of this variant on ACADS protein function. Experimental studies have shown that this missense change affects ACADS function (PMID: 18523805). For these reasons, this variant has been classified as Pathogenic.

Blueprint Genetics
Classification: Pathogenic for ACADS-related disorders. Last evaluated: 2024-11-22. Review status: criteria provided, single submitter. Criteria: ACMG Guidelines, 2015. Collection method: clinical testing. Allele origin: germline. Affected: yes. Observed: 5 variant alleles.

Laboratory of Medical Genetics, National & Kapodistrian University of Athens
Classification: Pathogenic for Deficiency of butyryl-CoA dehydrogenase. Last evaluated: 2024-02-01. Review status: criteria provided, single submitter. Criteria: ACMG Guidelines, 2015. Collection method: curation. Allele origin: germline. Affected: no.

Women's Health and Genetics/Laboratory Corporation of America, LabCorp
Classification: Pathogenic for Deficiency of butyryl-CoA dehydrogenase. Last evaluated: 2023-10-20. Review status: criteria provided, single submitter. Criteria: LabCorp Variant Classification Summary - May 2015. Collection method: clinical testing. Allele origin: germline.
Comment: Variant summary: ACADS c.1138C>T (p.Arg380Trp) results in a non-conservative amino acid change in the encoded protein sequence. Five of five in-silico tools predict a damaging effect of the variant on protein function. The variant allele was found at a frequency of 9.3e-05 in 248232 control chromosomes (gnomAD). c.1138C>T has been reported in the literature in multiple individuals affected with short-chain acyl-CoA dehydrogenase (SCAD) deficiency (examples: Bok_2003, Edhager_2014, Navarrete_2019). These data indicate that the variant is very likely to be associated with disease. Multiple publications have reported experimental evidence that this variant changes the normal protein function (examples: Edhager_2014, Bok_2003). The following publications have been ascertained in the context of this evaluation (PMID: 24485985, 30626930, 18523805, 14595061). Ten submitters have cited clinical-significance assessments for this variant to ClinVar after 2014. All submitters classified the variant as pathogenic/likely pathogenic. Based on the evidence outlined above, the variant was classified as pathogenic.

GeneDx
Classification: Likely pathogenic. Last evaluated: 2023-01-13. Review status: criteria provided, single submitter. Criteria: GeneDx Variant Classification Process June 2021. Collection method: clinical testing. Allele origin: germline. Affected: yes.
Comment: Functional studies found R380W is associated with no detectable ACADS enzyme activity (Corydon et al., 2001); In silico analysis supports that this missense variant has a deleterious effect on protein structure/function; Previously reported as R356W due to the use of alternate nomenclature; This variant is associated with the following publications: (PMID: 18523805, 14595061, 21483766, 16906473, 29678161, 24485985, 11134486, 22424739, 19800078, 16546179, 16926354, 32253862, 31589614, 32710939, 36499071, 33726816)

MGZ Medical Genetics Center
Classification: Pathogenic for Deficiency of butyryl-CoA dehydrogenase. Last evaluated: 2022-06-27. Review status: criteria provided, single submitter. Criteria: ACMG Guidelines, 2015. Collection method: clinical testing. Allele origin: germline. Affected: yes. Observed: 1 variant allele.
Comment: ACMG criteria applied: PM3_STR, PS4_MOD, PS3_SUP, PM2_SUP, PM5_SUP, PP3

Revvity Omics, Revvity
Classification: Pathogenic for Deficiency of butyryl-CoA dehydrogenase. Last evaluated: 2022-05-30. Review status: criteria provided, single submitter. Criteria: ACMG Guidelines, 2015. Collection method: clinical testing. Allele origin: germline.

Dasa
Classification: Likely pathogenic for Deficiency of butyryl-CoA dehydrogenase. Last evaluated: 2022-02-05. Review status: criteria provided, single submitter. Criteria: ACMG Guidelines, 2015. Collection method: clinical testing. Allele origin: germline. Affected: yes. Observed: 1 variant allele.
Comment: The c.1138C>T;p.(Arg380Trp) missense variant has been observed in affected individual(s) and ClinVar contains an entry for this variant (Clinvar ID: 3837; PMID: 29678161; 24485985; 22424739; 16926354; 11134486) - PS4. Well-established in vitro or in vivo functional studies supportive of a damaging effect on the gene or gene product (PMID: 24485985) - PS3_supporting. The variant is present at low allele frequencies population databases (rs28940875 – gnomAD 0.0003941%; ABraOM no frequency) - PM2_supporting. The p.(Arg380Trp) was detected in trans with a pathogenic variant (PMID: 24485985; 22424739; 16926354) - PM3. Multiple lines of computational evidence support a deleterious effect on the gene or gene product - PP3. In summary, the currently available evidence indicates that the variant is likely pathogenic.

Genome-Nilou Lab
Classification: Likely pathogenic for Deficiency of butyryl-CoA dehydrogenase. Last evaluated: 2021-11-07. Review status: criteria provided, single submitter. Criteria: ACMG Guidelines, 2015. Collection method: clinical testing. Allele origin: germline. Affected: no.

Fulgent Genetics
Classification: Pathogenic for Deficiency of butyryl-CoA dehydrogenase. Last evaluated: 2021-08-16. Review status: criteria provided, single submitter. Criteria: ACMG Guidelines, 2015. Collection method: clinical testing. Allele origin: unknown.

Centre for Inherited Metabolic Diseases, Karolinska University Hospital
Classification: Pathogenic for Deficiency of butyryl-CoA dehydrogenase. Last evaluated: 2021-03-19. Review status: criteria provided, single submitter. Criteria: ACMG Guidelines, 2015. Collection method: clinical testing. Allele origin: germline. Inheritance: Autosomal recessive inheritance. Affected: yes. Observed: 1 homozygote.

Institute of Human Genetics, University of Leipzig Medical Center
Classification: Pathogenic for Deficiency of butyryl-CoA dehydrogenase. Last evaluated: 2019-01-01. Review status: criteria provided, single submitter. Criteria: ACMG Guidelines, 2015. Collection method: clinical testing. Allele origin: unknown. Affected: no.
Comment: This variant was identified as compound heterozygous.

Counsyl
Classification: Pathogenic for Deficiency of butyryl-CoA dehydrogenase. Last evaluated: 2018-10-16. Review status: no assertion criteria provided. Collection method: clinical testing. Allele origin: unknown. Not counted in ClinVar's aggregate classification.

OMIM
Classification: Pathogenic for SCAD DEFICIENCY. Last evaluated: 2001-01-01. Review status: no assertion criteria provided. Collection method: literature only. Allele origin: germline. Not counted in ClinVar's aggregate classification.

Literature cited by the submitters: PubMed 11134486 (cited by 4 submitters); PubMed 14595061 (cited by Labcorp Genetics (formerly Invitae), Labcorp and Women's Health and Genetics/Laboratory Corporation of America, LabCorp); PubMed 16906473 (cited by Labcorp Genetics (formerly Invitae), Labcorp); PubMed 16926354 (cited by Labcorp Genetics (formerly Invitae), Labcorp and Dasa); PubMed 22424739 (cited by Labcorp Genetics (formerly Invitae), Labcorp and Dasa); PubMed 24485985 (cited by 3 submitters); PubMed 18523805 (cited by 3 submitters); PubMed 30626930 (cited by Women's Health and Genetics/Laboratory Corporation of America, LabCorp); PubMed 29678161 (cited by Dasa and Counsyl).

NM_000017.4(ACADS):c.1138C>T (p.Arg380Trp)

Gene: ACADS (acyl-CoA dehydrogenase short chain; plus strand). Cytogenetic location: 12q24.31.
Variant type: single nucleotide variant.
Coding change: c.1138C>T on transcript NM_000017.4 (MANE Select); coding-DNA position 1138, C replaced by T.
Protein change: p.Arg380Trp; replaces arginine 380 with tryptophan.
Molecular consequence: missense variant.
Genome position (GRCh38, 1-based): chr12:120,739,347, C>T. VCF-style: chr12-120739347-C-T. GRCh37 (hg19) VCF-style: chr12-121177150-C-T.
Other names: R356W; p.R380W:CGG>TGG; c.1126C>T, p.Arg376Trp (NM_001302554.2); short protein forms R380W, R376W.
Identifiers: ClinVar variation 3837 (VCV000003837.27), dbSNP rs28940875, ClinGen allele CA252889.